The following is an entry in ClinVar:

NM_000256.3(MYBPC3):c.787G>A (p.Gly263Arg)

Gene: MYBPC3 (myosin binding protein C3; minus strand). Cytogenetic location: 11p11.2.
Variant type: single nucleotide variant.
Coding change: c.787G>A on transcript NM_000256.3 (MANE Select); coding-DNA position 787, G replaced by A.
Protein change: p.Gly263Arg; replaces glycine 263 with arginine.
Molecular consequence: missense variant.
Genome position (GRCh38, 1-based): chr11:47,347,891, C>T on the plus strand (G>A on the coding strand, the complement: MYBPC3 is on the minus strand). VCF-style: chr11-47347891-C-T. GRCh37 (hg19) VCF-style: chr11-47369442-C-T.
Other names: c.787G>A, p.Gly263Arg (LRG_386t1); short protein forms G263R.
Identifiers: ClinVar variation 161315 (VCV000161315.40), dbSNP rs373730381, ClinGen allele CA015857.

ClinVar aggregate classification (germline): Conflicting classifications of pathogenicity. Review status: criteria provided, conflicting classifications (1 of 4 stars). 20 submissions from 19 submitters: Uncertain significance (13); Likely benign (2). 5 of the submissions do not count toward it. Last evaluated 2026-03-27.

Conditions:
Cardiovascular phenotype. Identifiers: MedGen CN230736.
MYBPC3-related disorder. Also called: MYBPC3-related disorders; MYBPC3-related condition; MYBPC3-related disease.
Left ventricular noncompaction 10 (LVNC10). Identifiers: Orphanet 154, Orphanet 54260, MedGen C3715165, MONDO:0014163, OMIM 615396.
Hypertrophic cardiomyopathy 4. Also called: Familial hypertrophic cardiomyopathy 4. Identifiers: MedGen C1861862, MONDO:0007268, OMIM 115197.
Cardiomyopathy (CMYO). Also called: Cardiomyopathies. Identifiers: Orphanet 167848, MedGen C0878544, MONDO:0004994, HP:0001638. Inheritance: Various modes of inheritance.
Primary familial hypertrophic cardiomyopathy (HCM). Identifiers: Orphanet 99739, MedGen C0949658, MeSH D024741, MONDO:0024573. Inheritance: Various modes of inheritance.
Hypertrophic cardiomyopathy. Also called: HYPERTROPHIC MYOCARDIOPATHY. Identifiers: Orphanet 217569, MedGen C0007194, MeSH D002312, MONDO:0005045, HP:0001639.

Allele frequency attached by ClinVar (database versions not stated): gnomAD 0.00004 and 0.00006; gnomAD exomes 0.00006 and 0.00009; TOPMed 0.00006; ESP Exome Variant Server 0.00008; ExAC 0.00023.

Submissions 1 to 14 of 20:

Molecular Diagnostic Laboratory for Inherited Cardiovascular Disease, Montreal Heart Institute
Classification: Uncertain significance for Cardiovascular phenotype. Last evaluated: 2026-03-27. Review status: criteria provided, single submitter. Criteria: ACMG Guidelines, 2015. Collection method: clinical testing. Allele origin: germline. Affected: yes.
Comment: PM6, BP4

Color Diagnostics, LLC DBA Color Health
Classification: Likely benign for Cardiomyopathy. Last evaluated: 2025-12-08. Review status: criteria provided, single submitter. Criteria: ACMG Guidelines, 2015. Collection method: clinical testing. Allele origin: germline.

Labcorp Genetics (formerly Invitae), Labcorp
Classification: Uncertain significance for Hypertrophic cardiomyopathy. Last evaluated: 2025-10-29. Review status: criteria provided, single submitter. Criteria: Invitae Variant Classification Sherloc (09022015). Collection method: clinical testing. Allele origin: germline.
Comment: This sequence change replaces glycine, which is neutral and non-polar, with arginine, which is basic and polar, at codon 263 of the MYBPC3 protein (p.Gly263Arg). This variant is present in population databases (rs373730381, gnomAD 0.05%), and has an allele count higher than expected for a pathogenic variant. This missense change has been observed in individual(s) with MYBPC3-related conditions (PMID: 15563892, 30847666, 37466024, 37652022). In at least one individual the variant was observed to be de novo. ClinVar contains an entry for this variant (Variation ID: 161315). An algorithm developed to predict the effect of missense changes on protein structure and function (PolyPhen-2) suggests that this variant is likely to be disruptive. In summary, the available evidence is currently insufficient to determine the role of this variant in disease. Therefore, it has been classified as a Variant of Uncertain Significance.

PreventionGenetics, part of Exact Sciences
Classification: Uncertain significance for MYBPC3-related condition. Last evaluated: 2025-07-10. Review status: criteria provided, single submitter. Criteria: ACMG Guidelines, 2015. Collection method: clinical testing. Allele origin: germline.
Comment: The MYBPC3 c.787G>A variant is predicted to result in the amino acid substitution p.Gly263Arg. This variant has been reported in individuals with hypertrophic cardiomyopathy or arrhythmogenic right ventricular cardiomyopathy, including one de novo case (see for example: Song et al. 2005. PubMed ID: 15563892; Online Supplementary File 2, van Lint et al. 2019. PubMed ID: 30847666). However, this variant has also been documented in controls (Table S8, McGurk et al. 2023. PubMed ID: 37652022) and found to co-occur with a causative variant in TNNT2 which could explain the phenotype (Table S2, Cava et al. 2023. PubMed ID: 37089884). This variant is reported in 0.054% of alleles in individuals of East Asian descent in gnomAD. At this time, the clinical significance of this variant is uncertain due to the absence of conclusive functional and genetic evidence.

Ambry Genetics
Classification: Uncertain significance for Cardiovascular phenotype. Last evaluated: 2025-06-12. Review status: criteria provided, single submitter. Criteria: Ambry Variant Classification Scheme 2023. Collection method: clinical testing. Allele origin: germline.
Comment: The p.G263R variant (also known as c.787G>A), located in coding exon 7 of the MYBPC3 gene, results from a G to A substitution at nucleotide position 787. The glycine at codon 263 is replaced by arginine, an amino acid with dissimilar properties. This alteration was reported as de novo in an individual with hypertrophic cardiomyopathy (Song L et al. Clin. Chim. Acta, 2005 Jan;351:209-16), as well in in other cardiomyopathy cohorts (Zou Y et al. Mol Biol Rep, 2013 Jun;40:3969-76; van Lint FHM et al. Neth Heart J, 2019 Jun;27:304-309; Magr&igrave; D et al. J Clin Med, 2020 May;9; Harper AR et al. Nat Genet, 2021 Feb;53:135-142; Cava F et al. Front Cardiovasc Med, 2023 Apr;10:1112759; Oktay V et al. Anatol J Cardiol, 2023 Nov;27:628-638). This alteration has also been reported in exome cohorts (Amendola LM et al. Genome Res., 2015 Mar;25:305-15). In addition, this alteration has been reported in ostensibly healthy individuals (Kapplinger JD et al. J Cardiovasc Transl Res, 2014 Apr;7:347-61; Kars ME et al. Proc Natl Acad Sci U S A, 2021 Sep;118). Based on data from gnomAD, the frequency for this variant is above the maximum credible frequency for a disease-causing variant in this gene based on internally established thresholds (Karczewski et al. Nature. 2020 May;581(7809):434-443; Whiffin et al. Genet Med. 2017 10;19:1151-1158). This amino acid position is not well conserved in available vertebrate species. In addition, the in silico prediction for this alteration is inconclusive. Based on the available evidence, the clinical significance of this variant remains unclear.

Blueprint Genetics
Classification: Likely benign. Last evaluated: 2024-10-25. Review status: criteria provided, single submitter. Criteria: ACMG Guidelines, 2015. Collection method: clinical testing. Allele origin: germline.

All of Us Research Program, National Institutes of Health
Classification: Uncertain significance for Hypertrophic cardiomyopathy. Last evaluated: 2024-08-13. Review status: criteria provided, single submitter. Criteria: ACMG Guidelines, 2015. Collection method: clinical testing. Allele origin: germline. Inheritance: Autosomal dominant inheritance. Observed: 26 variant alleles, 26 heterozygotes.
Comment: This missense variant replaces glycine with arginine at codon 263 of the MYBPC3 protein. Computational prediction tools indicate that this variant has a neutral impact on protein structure and function. To our knowledge, functional studies have not been reported for this variant. This variant has been reported in individuals affected with hypertrophic cardiomyopathy (PMID: 15563892, 32841044, 33495597, 33782553, 37089884, 37466024), and in one instance has been reported to occur de novo (PMID: 15563892). One of these individuals also carried a likely pathogenic variant in the TNNT2 gene (PMID: 37089884). This variant has also been reported in one individual affected with sudden death (PMID: 27707468). This variant has been identified in 18/214866 chromosomes in the general population by the Genome Aggregation Database (gnomAD). The available evidence is insufficient to determine the role of this variant in disease conclusively. Therefore, this variant is classified as a Variant of Uncertain Significance.

This study involves interpretation of variants in research participants for the purpose of population health screening. Participant phenotype was not available at the time of variant classification. Additional details can be found in publication PMID: 35346344, PMCID: PMC8962531

Revvity Omics, Revvity
Classification: Uncertain significance. Last evaluated: 2023-08-29. Review status: criteria provided, single submitter. Criteria: ACMG Guidelines, 2015. Collection method: clinical testing. Allele origin: germline.

CHEO Genetics Diagnostic Laboratory, Children's Hospital of Eastern Ontario
Classification: Uncertain significance for Cardiomyopathy. Last evaluated: 2023-05-30. Review status: criteria provided, single submitter. Criteria: ACMG Guidelines, 2015. Collection method: clinical testing. Allele origin: germline. Study: Canadian Open Genetics Repository.

New York Genome Center
Classification: Uncertain significance for Left ventricular noncompaction 10; Hypertrophic cardiomyopathy 4. Last evaluated: 2022-04-22. Review status: criteria provided, single submitter. Criteria: NYGC Assertion Criteria 2020. Collection method: clinical testing. Allele origin: germline. Observed: 1 heterozygote.

Fulgent Genetics
Classification: Uncertain significance for Hypertrophic cardiomyopathy 4; Left ventricular noncompaction 10. Last evaluated: 2021-10-25. Review status: criteria provided, single submitter. Criteria: ACMG Guidelines, 2015. Collection method: clinical testing. Allele origin: unknown.

Mendelics
Classification: Uncertain significance for Hypertrophic cardiomyopathy 4. Last evaluated: 2019-05-28. Review status: criteria provided, single submitter. Criteria: Mendelics Assertion Criteria 2017. Collection method: clinical testing. Allele origin: unknown.

Illumina Laboratory Services, Illumina
Classification: Uncertain significance for Left ventricular noncompaction 10. Last evaluated: 2017-04-27. Review status: criteria provided, single submitter. Criteria: ICSL Variant Classification Criteria 13 December 2019. Collection method: clinical testing. Allele origin: germline.

Illumina Laboratory Services, Illumina
Classification: Uncertain significance for Hypertrophic cardiomyopathy 4. Last evaluated: 2017-04-27. Review status: criteria provided, single submitter. Criteria: ICSL Variant Classification Criteria 13 December 2019. Collection method: clinical testing. Allele origin: germline.
Comment: This variant was observed as part of a predisposition screen in an ostensibly healthy population. A literature search was performed for the gene, cDNA change, and amino acid change (where applicable). Publications were found based on this search. However, the evidence from the literature, in combination with allele frequency data from public databases where available, was not sufficient to rule this variant in or out of causing disease. Therefore, this variant is classified as a variant of unknown significance.